The following is an entry in ClinVar:

NM_022765.4(MICAL1):c.1567G>A (p.Ala523Thr)

Gene: MICAL1 (microtubule associated monooxygenase, calponin and LIM domain containing 1; minus strand). Cytogenetic location: 6q21.
Variant type: single nucleotide variant.
Coding change: c.1567G>A on transcript NM_022765.4 (MANE Select); coding-DNA position 1567, G replaced by A.
Protein change: p.Ala523Thr; replaces alanine 523 with threonine.
Molecular consequence: missense variant.
Genome position (GRCh38, 1-based): chr6:109,448,829, C>T on the plus strand (G>A on the coding strand, the complement: MICAL1 is on the minus strand). VCF-style: chr6-109448829-C-T. GRCh37 (hg19) VCF-style: chr6-109770032-C-T.
Other names: c.1309G>A, p.Ala437Thr (NM_001159291.2); c.1624G>A, p.Ala542Thr (NM_001286613.2); short protein forms A437T, A523T, A542T.
Identifiers: ClinVar variation 1970060 (VCV001970060.5), dbSNP rs1775374037, ClinGen allele CA365229348.

ClinVar aggregate classification (germline): Uncertain significance (1 of 4 stars; one submission).

Allele frequency attached by ClinVar (database versions not stated): gnomAD exomes below 0.00001.
gnomAD v4.1: 2 of 1,614,056 alleles (0.00012%); highest among the groups gnomAD compares: Middle Eastern, 0.033%; no homozygotes.

Submission:

Labcorp Genetics (formerly Invitae), Labcorp
Classification: Uncertain significance. Last evaluated: 2022-10-25. Review status: criteria provided, single submitter. Criteria: Invitae Variant Classification Sherloc (09022015). Collection method: clinical testing. Allele origin: germline.
Comment: This variant has not been reported in the literature in individuals affected with MICAL1-related conditions. Algorithms developed to predict the effect of missense changes on protein structure and function output the following: SIFT: "Deleterious"; PolyPhen-2: "Benign"; Align-GVGD: "Class C0". The threonine amino acid residue is found in multiple mammalian species, which suggests that this missense change does not adversely affect protein function. In summary, the available evidence is currently insufficient to determine the role of this variant in disease. Therefore, it has been classified as a Variant of Uncertain Significance. This variant is not present in population databases (gnomAD no frequency). This sequence change replaces alanine, which is neutral and non-polar, with threonine, which is neutral and polar, at codon 542 of the MICAL1 protein (p.Ala542Thr).